The following is an entry in ClinVar:

NM_018480.4(TMEM126B):c.-272T>A

Genes: TMEM126B (transmembrane protein 126B; plus strand), DLG2 (discs large MAGUK scaffold protein 2; minus strand), LOC130006547 (ATAC-STARR-seq lymphoblastoid active region 5363; plus strand). Cytogenetic location: 11q14.1.
Variant type: single nucleotide variant.
Coding change: c.-272T>A on transcript NM_018480.4; 272 bases upstream of the start codon, T replaced by A.
Molecular consequence: 5 prime UTR variant (on NM_001351274.2).
Genome position (GRCh38, 1-based): chr11:85,628,336, T>A. VCF-style: chr11-85628336-T-A. GRCh37 (hg19) VCF-style: chr11-85339380-T-A.
Other names: c.-784A>T (NM_001351274.2); c.-1719A>T (NM_001351275.2).
Identifiers: ClinVar variation 684192 (VCV000684192.3), dbSNP rs647987, ClinGen allele CA13488595.

ClinVar aggregate classification (germline): Benign (1 of 4 stars; one submission).

Allele frequency attached by ClinVar (database versions not stated): gnomAD 0.86926 and 0.86812; 1000 Genomes Project 30x 0.91505; TOPMed 0.86550; 1000 Genomes Project 0.91853.
gnomAD v4.1: 132,176 of 152,318 alleles (87%); highest among the groups gnomAD compares: East Asian, 100%; 57,837 homozygotes.

Submission:

GeneDx
Classification: Benign. Last evaluated: 2018-06-14. Review status: criteria provided, single submitter. Criteria: GeneDx Variant Classification (06012015). Collection method: clinical testing. Allele origin: germline. Affected: yes.
Comment: This variant is considered likely benign or benign based on one or more of the following criteria: it is a conservative change, it occurs at a poorly conserved position in the protein, it is predicted to be benign by multiple in silico algorithms, and/or has population frequency not consistent with disease.